The following is an entry in ClinVar:

NM_005002.5(NDUFA9):c.185C>T (p.Thr62Ile)

Gene: NDUFA9 (NADH:ubiquinone oxidoreductase subunit A9; plus strand). Cytogenetic location: 12p13.32.
Variant type: single nucleotide variant.
Coding change: c.185C>T on transcript NM_005002.5 (MANE Select); coding-DNA position 185, C replaced by T.
Protein change: p.Thr62Ile; replaces threonine 62 with isoleucine.
Molecular consequence: missense variant.
Genome position (GRCh38, 1-based): chr12:4,654,427, C>T. VCF-style: chr12-4654427-C-T. GRCh37 (hg19) VCF-style: chr12-4763593-C-T.
Other names: short protein forms T62I.
Identifiers: ClinVar variation 2277046 (VCV002277046.5), dbSNP rs531865660, ClinGen allele CA6398014.

ClinVar aggregate classification (germline): Uncertain significance. Review status: criteria provided, multiple submitters, no conflicts (2 of 4 stars). 2 submissions from 2 submitters: Uncertain significance (2). Last evaluated 2023-10-19.

Conditions:
Inborn genetic diseases. Identifiers: MedGen C0950123, MeSH D030342.

Allele frequency attached by ClinVar (database versions not stated): ExAC 0.00002; TOPMed 0.00002; gnomAD 0.00003; 1000 Genomes Project 30x 0.00016; 1000 Genomes Project 0.00020.
gnomAD v4.1: 4 of 1,614,130 alleles (0.00025%); highest among the groups gnomAD compares: African/African-American, 0.0053%; no homozygotes.

Submissions (2):

Labcorp Genetics (formerly Invitae), Labcorp
Classification: Uncertain significance. Last evaluated: 2023-10-19. Review status: criteria provided, single submitter. Criteria: Invitae Variant Classification Sherloc (09022015). Collection method: clinical testing. Allele origin: germline.
Comment: This sequence change replaces threonine, which is neutral and polar, with isoleucine, which is neutral and non-polar, at codon 62 of the NDUFA9 protein (p.Thr62Ile). This variant is present in population databases (rs531865660, gnomAD 0.01%). This variant has not been reported in the literature in individuals affected with NDUFA9-related conditions. ClinVar contains an entry for this variant (Variation ID: 2277046). An algorithm developed to predict the effect of missense changes on protein structure and function (PolyPhen-2) suggests that this variant is likely to be disruptive. In summary, the available evidence is currently insufficient to determine the role of this variant in disease. Therefore, it has been classified as a Variant of Uncertain Significance.

Ambry Genetics
Classification: Uncertain significance for Inborn genetic diseases. Last evaluated: 2022-02-11. Review status: criteria provided, single submitter. Criteria: Ambry Variant Classification Scheme 2023. Collection method: clinical testing. Allele origin: germline.